The following is an entry in ClinVar:

NM_005045.4(RELN):c.8912G>A (p.Arg2971Gln)

Genes: SLC26A5-AS1 (SLC26A5 antisense RNA 1; plus strand), RELN (reelin; minus strand). Cytogenetic location: 7q22.1.
Variant type: single nucleotide variant.
Coding change: c.8912G>A on transcript NM_005045.4 (MANE Select); coding-DNA position 8912, G replaced by A.
Protein change: p.Arg2971Gln; replaces arginine 2971 with glutamine.
Molecular consequence: missense variant.
Genome position (GRCh38, 1-based): chr7:103,497,858, C>T on the plus strand (G>A on the coding strand, the complement: RELN is on the minus strand). VCF-style: chr7-103497858-C-T. GRCh37 (hg19) VCF-style: chr7-103138305-C-T.
Other names: c.8912G>A, p.Arg2971Gln (NM_173054.3); short protein forms R2971Q.
Identifiers: ClinVar variation 947726 (VCV000947726.10), dbSNP rs1562852978, ClinGen allele CA368752474.

ClinVar aggregate classification (germline): Conflicting classifications of pathogenicity. Review status: criteria provided, conflicting classifications (1 of 4 stars). 2 submissions from 2 submitters: Likely pathogenic (1); Uncertain significance (1). Last evaluated 2024-06-22.

Conditions:
Norman-Roberts syndrome (LIS2). Also called: Lissencephaly 2 (Norman-Roberts type). Identifiers: Orphanet 89844, MedGen C0796089, MONDO:0009760, OMIM 257320.
Familial temporal lobe epilepsy 7. Identifiers: Orphanet 101046, MedGen C4225327, MONDO:0014639, OMIM 616436.
Neurodevelopmental delay. Identifiers: MedGen C4022738, HP:0012758.

Allele frequency attached by ClinVar (database versions not stated): gnomAD exomes below 0.00001; TOPMed below 0.00001.
gnomAD v4.1: 7 of 1,614,070 alleles (0.00043%); highest among the groups gnomAD compares: Non-Finnish European, 0.00059%; no homozygotes.

Submissions (2):

Labcorp Genetics (formerly Invitae), Labcorp
Classification: Uncertain significance for Familial temporal lobe epilepsy 7; Norman-Roberts syndrome. Last evaluated: 2024-06-22. Review status: criteria provided, single submitter. Criteria: Invitae Variant Classification Sherloc (09022015). Collection method: clinical testing. Allele origin: germline.
Comment: This sequence change replaces arginine, which is basic and polar, with glutamine, which is neutral and polar, at codon 2971 of the RELN protein (p.Arg2971Gln). This variant is not present in population databases (gnomAD no frequency). This missense change has been observed in individual(s) with clinical features of RELN-related conditions (PMID: 33004838). ClinVar contains an entry for this variant (Variation ID: 947726). Advanced modeling of protein sequence and biophysical properties (such as structural, functional, and spatial information, amino acid conservation, physicochemical variation, residue mobility, and thermodynamic stability) performed at Invitae indicates that this missense variant is not expected to disrupt RELN protein function with a negative predictive value of 80%. In summary, the available evidence is currently insufficient to determine the role of this variant in disease. Therefore, it has been classified as a Variant of Uncertain Significance.

Centre de Biologie Pathologie Génétique, Centre Hospitalier Universitaire de Lille
Classification: Likely pathogenic for Neurodevelopmental delay. Review status: criteria provided, single submitter. Criteria: ACMG Guidelines, 2015. Collection method: clinical testing. Allele origin: inherited. Affected: yes.

Literature cited by the submitters: PubMed 33004838 (cited by Labcorp Genetics (formerly Invitae), Labcorp).